The following is an entry in ClinVar:

NM_001370259.2(MEN1):c.1270G>A (p.Glu424Lys)

Gene: MEN1 (menin 1; minus strand). Cytogenetic location: 11q13.1.
Variant type: single nucleotide variant.
Coding change: c.1270G>A on transcript NM_001370259.2 (MANE Select); coding-DNA position 1270, G replaced by A.
Protein change: p.Glu424Lys; replaces glutamic acid 424 with lysine.
Molecular consequence: missense variant.
Genome position (GRCh38, 1-based): chr11:64,805,114, C>T on the plus strand (G>A on the coding strand, the complement: MEN1 is on the minus strand). VCF-style: chr11-64805114-C-T. GRCh37 (hg19) VCF-style: chr11-64572586-C-T.
Other names: c.1285G>A, p.Glu429Lys (NM_130802.3, NM_130803.3, NM_130804.3 and 3 more transcripts); c.1396G>A, p.Glu466Lys (NM_001370251.2); c.1270G>A, p.Glu424Lys (NM_001370260.2, NM_001370261.2, NM_130799.3); c.1165G>A, p.Glu389Lys (NM_001370262.2, NM_001370263.2); short protein forms E424K, E429K, E389K, E466K.
Identifiers: ClinVar variation 428011 (VCV000428011.14), dbSNP rs1114167477, ClinGen allele CA381180402.

ClinVar aggregate classification (germline): Conflicting classifications of pathogenicity. Review status: criteria provided, conflicting classifications (1 of 4 stars). 2 submissions from 2 submitters: Pathogenic (1); Uncertain significance (1). Last evaluated 2025-11-12.

Conditions:
Hereditary cancer-predisposing syndrome. Also called: Hereditary neoplastic syndrome; Tumor predisposition; Neoplastic Syndromes, Hereditary; Hereditary Cancer Syndrome. Identifiers: Orphanet 140162, MedGen C0027672, MeSH D009386, MONDO:0015356.
Multiple endocrine neoplasia, type 1 (MEN1). Also called: MEN I; Endocrine adenomatosis multiple; MEN 1; WERMER SYNDROME; MEA I. Identifiers: Orphanet 652, MedGen C0025267, MeSH D018761, MONDO:0007540, OMIM 131100.

Submissions (2):

Ambry Genetics
Classification: Pathogenic for Hereditary cancer-predisposing syndrome. Last evaluated: 2025-11-12. Review status: criteria provided, single submitter. Criteria: Ambry Variant Classification Scheme 2023. Collection method: clinical testing. Allele origin: germline.
Comment: The p.E424K pathogenic mutation (also known as c.1270G>A), located in coding exon 8 of the MEN1 gene, results from a G to A substitution at nucleotide position 1270. The glutamic acid at codon 424 is replaced by lysine, an amino acid with similar properties. This variant was reported in individual(s) with features consistent with multiple endocrine neoplasia type 1 (Worthy CC et al. JCI Insight, 2025 Feb;10; Ambry internal data). This amino acid position is highly conserved in available vertebrate species. In addition, this alteration is predicted to be deleterious by in silico analysis. Based on the supporting evidence, this variant is interpreted as a disease-causing mutation.

Labcorp Genetics (formerly Invitae), Labcorp
Classification: Uncertain significance for Multiple endocrine neoplasia, type 1. Last evaluated: 2024-04-22. Review status: criteria provided, single submitter. Criteria: Invitae Variant Classification Sherloc (09022015). Collection method: clinical testing. Allele origin: germline.
Comment: This sequence change replaces glutamic acid, which is acidic and polar, with lysine, which is basic and polar, at codon 424 of the MEN1 protein (p.Glu424Lys). This variant is not present in population databases (gnomAD no frequency). This variant has not been reported in the literature in individuals affected with MEN1-related conditions. ClinVar contains an entry for this variant (Variation ID: 428011). Advanced modeling of protein sequence and biophysical properties (such as structural, functional, and spatial information, amino acid conservation, physicochemical variation, residue mobility, and thermodynamic stability) performed at Invitae indicates that this missense variant is expected to disrupt MEN1 protein function with a positive predictive value of 95%. In summary, the available evidence is currently insufficient to determine the role of this variant in disease. Therefore, it has been classified as a Variant of Uncertain Significance.

Literature cited by the submitters: PubMed 39946193 (cited by Ambry Genetics).